The following is an entry in ClinVar:

ClinVar aggregate classification (germline): Pathogenic (1 of 4 stars; one submission).

Allele frequency attached by ClinVar (database versions not stated): ExAC 0.00001.

Submission:

Labcorp Genetics (formerly Invitae), Labcorp
Classification: Pathogenic. Last evaluated: 2024-05-21. Review status: criteria provided, single submitter. Criteria: Invitae Variant Classification Sherloc (09022015). Collection method: clinical testing. Allele origin: germline.
Comment: This sequence change creates a premature translational stop signal (p.Gly2307Alafs*9) in the ACAN gene. It is expected to result in an absent or disrupted protein product. Loss-of-function variants in ACAN are known to be pathogenic (PMID: 16080123, 24762113). This variant is present in population databases (rs749151163, gnomAD 0.0009%). This variant has not been reported in the literature in individuals affected with ACAN-related conditions. ClinVar contains an entry for this variant (Variation ID: 1976848). For these reasons, this variant has been classified as Pathogenic.

Literature cited by the submitters: PubMed 16080123; PubMed 24762113.

NM_001369268.1(ACAN):c.6918del (p.Gly2307fs)

Gene: ACAN (aggrecan; plus strand). Cytogenetic location: 15q26.1.
Variant type: Deletion.
Coding change: c.6918del on transcript NM_001369268.1 (MANE Select); coding-DNA position 6918, one base deleted (T; older notation c.6918delT).
Protein change: p.Gly2307fs; shifts the reading frame from glycine 2307.
Molecular consequence: frameshift variant. On other transcripts: intron variant (1).
Genome position (GRCh38, 1-based): chr15:88,860,411, T deleted. VCF-style (leftmost placement, unchanged base first): chr15-88860410-CT-C. GRCh37 (hg19) VCF-style: chr15-89403641-CT-C.
Other names: c.6918del, p.Gly2307fs (NM_013227.4); c.6832+994del (NM_001135.4); short protein forms G2307fs.
Identifiers: ClinVar variation 1976848 (VCV001976848.5), dbSNP rs749151163, ClinGen allele CA7720523.
Genomic context (GRCh38, chr15:88,860,410, plus strand): 5'-AGCCCTGTGGAGCTGGGACCTGCAAGGAGACAGAGGGACACGTCATATGCCTGTGCCCCC[CT>C]GGCTACACTGGCGAGCACTGTAACATAGGTAAGGCCCTCATTGGCCGTGGAGAGTGAGGG-3'